The following is an entry in ClinVar:

NM_001378454.1(ALMS1):c.4229C>T (p.Ala1410Val)

Gene: ALMS1 (ALMS1 centrosome and basal body associated protein; plus strand). Cytogenetic location: 2p13.1.
Variant type: single nucleotide variant.
Coding change: c.4229C>T on transcript NM_001378454.1 (MANE Select); coding-DNA position 4229, C replaced by T.
Protein change: p.Ala1410Val; replaces alanine 1410 with valine.
Molecular consequence: missense variant.
Genome position (GRCh38, 1-based): chr2:73,450,756, C>T. VCF-style: chr2-73450756-C-T. GRCh37 (hg19) VCF-style: chr2-73677883-C-T.
Other names: c.4232C>T, p.Ala1411Val (NM_015120.4); short protein forms A1410V, A1411V.
Identifiers: ClinVar variation 1903658 (VCV001903658.5), dbSNP rs753529210, ClinGen allele CA1713665.

ClinVar aggregate classification (germline): Conflicting classifications of pathogenicity. Review status: criteria provided, conflicting classifications (1 of 4 stars). 3 submissions from 3 submitters: Uncertain significance (2); Likely benign (1). Last evaluated 2025-02-13.

Conditions:
Cardiovascular phenotype. Identifiers: MedGen CN230736.
Alstrom syndrome (ALMS). Identifiers: Orphanet 64, MedGen C0268425, MONDO:0008763, OMIM 203800.

Allele frequency attached by ClinVar (database versions not stated): gnomAD exomes 0.00001; ExAC 0.00002; gnomAD 0.00004.
gnomAD v4.1: 26 of 1,613,070 alleles (0.0016%); highest among the groups gnomAD compares: South Asian, 0.0088%; no homozygotes.

Submissions (3):

Women's Health and Genetics/Laboratory Corporation of America, LabCorp
Classification: Uncertain significance. Last evaluated: 2025-02-13. Review status: criteria provided, single submitter. Criteria: LabCorp Variant Classification Summary - May 2015. Collection method: clinical testing. Allele origin: germline.

Labcorp Genetics (formerly Invitae), Labcorp
Classification: Uncertain significance for Alstrom syndrome. Last evaluated: 2024-01-22. Review status: criteria provided, single submitter. Criteria: Invitae Variant Classification Sherloc (09022015). Collection method: clinical testing. Allele origin: germline.
Comment: This sequence change replaces alanine, which is neutral and non-polar, with valine, which is neutral and non-polar, at codon 1411 of the ALMS1 protein (p.Ala1411Val). This variant is present in population databases (rs753529210, gnomAD 0.008%). This variant has not been reported in the literature in individuals affected with ALMS1-related conditions. ClinVar contains an entry for this variant (Variation ID: 1903658). Algorithms developed to predict the effect of missense changes on protein structure and function output the following: SIFT: "Not Available"; PolyPhen-2: "Not Available"; Align-GVGD: "Not Available". The valine amino acid residue is found in multiple mammalian species, which suggests that this missense change does not adversely affect protein function. In summary, the available evidence is currently insufficient to determine the role of this variant in disease. Therefore, it has been classified as a Variant of Uncertain Significance.

Ambry Genetics
Classification: Likely benign for Cardiovascular phenotype. Last evaluated: 2023-10-26. Review status: criteria provided, single submitter. Criteria: Ambry Variant Classification Scheme 2023. Collection method: clinical testing. Allele origin: germline.